The following is an entry in ClinVar:

NM_001142864.4(PIEZO1):c.3804G>A (p.Glu1268=)

Gene: PIEZO1 (piezo type mechanosensitive ion channel component 1 (Er blood group); minus strand). Cytogenetic location: 16q24.3.
Variant type: single nucleotide variant.
Coding change: c.3804G>A on transcript NM_001142864.4 (MANE Select); coding-DNA position 3804, G replaced by A.
Protein change: p.Glu1268=; no amino-acid change (glutamic acid 1268 retained).
Molecular consequence: synonymous variant.
Genome position (GRCh38, 1-based): chr16:88,726,448, C>T on the plus strand (G>A on the coding strand, the complement: PIEZO1 is on the minus strand). VCF-style: chr16-88726448-C-T. GRCh37 (hg19) VCF-style: chr16-88792856-C-T.
Identifiers: ClinVar variation 4980707 (VCV004980707.1).

ClinVar aggregate classification (germline): Likely benign (1 of 4 stars; one submission).

Conditions:
PIEZO1-related disorder. Also called: PIEZO1-related condition; PIEZO1-Related Disorders.

gnomAD v4.1: 10 of 1,549,640 alleles (0.00065%); highest among the groups gnomAD compares: Middle Eastern, 0.017%; no homozygotes.

Submission:

PreventionGenetics, part of Exact Sciences
Classification: Likely benign for PIEZO1-related condition. Last evaluated: 2025-01-15. Review status: criteria provided, single submitter. Criteria: ACMG Guidelines, 2015. Collection method: clinical testing. Allele origin: germline.
Comment: This variant is classified as likely benign based on ACMG/AMP sequence variant interpretation guidelines (Richards et al. 2015 PMID: 25741868, with internal and published modifications).